The following is an entry in ClinVar:

NM_004336.5(BUB1):c.715A>G (p.Lys239Glu)

Gene: BUB1 (BUB1 mitotic checkpoint serine/threonine kinase; minus strand). Cytogenetic location: 2q13.
Variant type: single nucleotide variant.
Coding change: c.715A>G on transcript NM_004336.5 (MANE Select); coding-DNA position 715, A replaced by G.
Protein change: p.Lys239Glu; replaces lysine 239 with glutamic acid.
Molecular consequence: missense variant.
Genome position (GRCh38, 1-based): chr2:110,667,611, T>C on the plus strand (A>G on the coding strand, the complement: BUB1 is on the minus strand). VCF-style: chr2-110667611-T-C. GRCh37 (hg19) VCF-style: chr2-111425188-T-C.
Other names: c.655A>G, p.Lys219Glu (NM_001278616.2); c.715A>G, p.Lys239Glu (NM_001278617.2); short protein forms K219E, K239E.
Identifiers: ClinVar variation 3224115 (VCV003224115.1), dbSNP rs2468028219, ClinGen allele CA348217735.
Genomic context (GRCh38, chr2:110,667,611, plus strand): 5'-ATTTCTGGGCTCTCAATTCTTCAAAGGAAAATTCTGATTCCCCACGAATAAGCTTCTCCT[T>C]GCAATACATAACAACCTGCTCAACATCAACTTTGGATGCCAAAGATGAGTGCACAGAATA-3'
Protein context (NP_004327.1, residues 229-249): VDVEQVVMYC[Lys239Glu]EKLIRGESEF

ClinVar aggregate classification (germline): Uncertain significance (1 of 4 stars; one submission).

Submission:

Ambry Genetics
Classification: Uncertain significance. Last evaluated: 2024-01-13. Review status: criteria provided, single submitter. Criteria: Ambry Variant Classification Scheme 2023. Collection method: clinical testing. Allele origin: germline.
Comment: The p.K239E variant (also known as c.715A>G), located in coding exon 8 of the BUB1 gene, results from an A to G substitution at nucleotide position 715. The lysine at codon 239 is replaced by glutamic acid, an amino acid with similar properties. This amino acid position is conserved. In addition, the in silico prediction for this alteration is inconclusive. Since supporting evidence is limited at this time, the clinical significance of this alteration remains unclear.